The following is an entry in ClinVar:

ClinVar aggregate classification (germline): Likely pathogenic (0 of 4 stars; one submission).

Conditions:
Keratoconus (KC). Identifiers: MedGen C0022578, MeSH D007640, MONDO:0015486, HP:0000563.

Submission:

Refractive Surgery Department, Bright Eye Hospital
Classification: Likely pathogenic for Keratoconus. Last evaluated: 2023-08-27. Review status: no assertion criteria provided. Collection method: clinical testing. Allele origin: biparental. Inheritance: Autosomal dominant inheritance. Affected: yes. Observed: 5 variant alleles, 5 heterozygotes.
Comment: In family 3, a heterozygous nonsynonymous mutation in exon 54 of COL5A2 (c.4364G>A, p.G1455E) was detected. This variant is also located in the COLFI domain, close to the C-terminal end (1265–1499 aa), within the fourth cross-linking site, which is predicted as being highly conserved among species and probably damaging.

NM_000393.5(COL5A2):c.4364G>A (p.Gly1455Glu)

Gene: COL5A2 (collagen type V alpha 2 chain; minus strand). Cytogenetic location: 2q32.2.
Variant type: single nucleotide variant.
Coding change: c.4364G>A on transcript NM_000393.5 (MANE Select); coding-DNA position 4364, G replaced by A.
Protein change: p.Gly1455Glu; replaces glycine 1455 with glutamic acid.
Molecular consequence: missense variant.
Genome position (GRCh38, 1-based): chr2:189,034,206, C>T on the plus strand (G>A on the coding strand, the complement: COL5A2 is on the minus strand). VCF-style: chr2-189034206-C-T. GRCh37 (hg19) VCF-style: chr2-189898932-C-T.
Other names: short protein forms G1455E.
Identifiers: ClinVar variation 2577487 (VCV002577487.2), dbSNP rs1559070958, ClinGen allele CA349854733.
Genomic context (GRCh38, chr2:189,034,206, plus strand): 5'-ATGATGGGCAAGCGTGCCACATTCTGTGTTCTATATTCAAAGACAGTCTTGCCCACATTT[C>T]CATTCCGCTTCTGAAATTAAATGATGCAATGGGTTAAATGTACATACAATTTTTTCCAAG-3'
Protein context (NP_000384.2, residues 1445-1465): VLQDTCSKRN[Gly1455Glu]NVGKTVFEYR